The following is an entry in ClinVar:

NM_058216.3(RAD51C):c.467T>A (p.Val156Asp)

Gene: RAD51C (RAD51 paralog C; plus strand). Cytogenetic location: 17q22.
Variant type: single nucleotide variant.
Coding change: c.467T>A on transcript NM_058216.3 (MANE Select); coding-DNA position 467, T replaced by A.
Protein change: p.Val156Asp; replaces valine 156 with aspartic acid.
Molecular consequence: missense variant.
Genome position (GRCh38, 1-based): chr17:58,696,755, T>A. VCF-style: chr17-58696755-T-A. GRCh37 (hg19) VCF-style: chr17-56774116-T-A.
Other names: short protein forms V156D.
Identifiers: ClinVar variation 825091 (VCV000825091.16), dbSNP rs1435180142, ClinGen allele CA8677238.

ClinVar aggregate classification (germline): Conflicting classifications of pathogenicity. Review status: criteria provided, conflicting classifications (1 of 4 stars). 4 submissions from 4 submitters: Likely pathogenic (1); Uncertain significance (3). Last evaluated 2025-04-16.

Conditions:
Hereditary cancer-predisposing syndrome. Also called: Neoplastic Syndromes, Hereditary; Hereditary Cancer Syndrome; Hereditary neoplastic syndrome; Tumor predisposition. Identifiers: Orphanet 140162, MedGen C0027672, MeSH D009386, MONDO:0015356.
Breast-ovarian cancer, familial, susceptibility to, 3. Also called: RAD51C-Related Breast/Ovarian Cancer. Identifiers: Orphanet 145, MedGen C3150659, MONDO:0013253, OMIM 613399.
Fanconi anemia complementation group O. Also called: RAD51C-Related Fanconi Anemia. Identifiers: Orphanet 84, MedGen C3150653, MONDO:0013248, OMIM 613390.

Allele frequency attached by ClinVar (database versions not stated): gnomAD exomes below 0.00001.
gnomAD v4.1: 1 of 1,614,084 alleles (0.000062%); no homozygotes.

Submissions (4):

Ambry Genetics
Classification: Uncertain significance for Hereditary cancer-predisposing syndrome. Last evaluated: 2025-04-16. Review status: criteria provided, single submitter. Criteria: Ambry Variant Classification Scheme 2023. Collection method: clinical testing. Allele origin: germline.
Comment: The p.V156D variant (also known as c.467T>A), located in coding exon 3 of the RAD51C gene, results from a T to A substitution at nucleotide position 467. The valine at codon 156 is replaced by aspartic acid, an amino acid with highly dissimilar properties. Multiple assays performed and concordant results In multiple assays testing RAD51C function, this alteration showed an abnormal read-out. (Hu C et al. Cancer Res, 2023 Aug;83:2557-2571). This amino acid position is not well conserved in available vertebrate species. In addition, this alteration is predicted to be deleterious by in silico analysis. Based on the available evidence, the clinical significance of this alteration remains unclear.

Myriad Genetics, Inc.
Classification: Likely pathogenic for Breast-ovarian cancer, familial, susceptibility to, 3. Last evaluated: 2024-11-25. Review status: criteria provided, single submitter. Criteria: Myriad Autosomal Dominant, Autosomal Recessive and X-Linked Classification Criteria (2023). Collection method: clinical testing. Allele origin: unknown.
Comment: This variant is considered likely pathogenic. Functional studies indicate this variant impacts protein function [PMID: 39299233, 37253112]. This variant is expected to disrupt protein structure [Myriad internal data].

Labcorp Genetics (formerly Invitae), Labcorp
Classification: Uncertain significance for Fanconi anemia complementation group O. Last evaluated: 2024-07-24. Review status: criteria provided, single submitter. Criteria: Invitae Variant Classification Sherloc (09022015). Collection method: clinical testing. Allele origin: germline.
Comment: This sequence change replaces valine, which is neutral and non-polar, with aspartic acid, which is acidic and polar, at codon 156 of the RAD51C protein (p.Val156Asp). This variant is present in population databases (no rsID available, gnomAD 0.0009%). This variant has not been reported in the literature in individuals affected with RAD51C-related conditions. ClinVar contains an entry for this variant (Variation ID: 825091). Advanced modeling of protein sequence and biophysical properties (such as structural, functional, and spatial information, amino acid conservation, physicochemical variation, residue mobility, and thermodynamic stability) performed at Invitae indicates that this missense variant is expected to disrupt RAD51C protein function with a positive predictive value of 80%. Experimental studies have shown that this missense change affects RAD51C function (PMID: 37253112). In summary, the available evidence is currently insufficient to determine the role of this variant in disease. Therefore, it has been classified as a Variant of Uncertain Significance.

Color Diagnostics, LLC DBA Color Health
Classification: Uncertain significance for Hereditary cancer-predisposing syndrome. Last evaluated: 2021-09-15. Review status: criteria provided, single submitter. Criteria: ACMG Guidelines, 2015. Collection method: clinical testing. Allele origin: germline.
Comment: This missense variant replaces valine with aspartic acid at codon 156 of the RAD51C protein. Computational prediction is inconclusive regarding the impact of this variant on protein structure and function (internally defined REVEL score threshold 0.5 < inconclusive < 0.7, PMID: 27666373). To our knowledge, functional studies have not been reported for this variant. This variant has not been reported in individuals affected with hereditary cancer in the literature. This variant has been identified in 1/242482 chromosomes in the general population by the Genome Aggregation Database (gnomAD). The available evidence is insufficient to determine the role of this variant in disease conclusively. Therefore, this variant is classified as a Variant of Uncertain Significance.

Literature cited by the submitters: PubMed 37253112 (cited by 3 submitters); PubMed 39299233 (cited by Ambry Genetics and Myriad Genetics, Inc.).